The following is an entry in ClinVar:

NM_001754.5(RUNX1):c.784C>T (p.Gln262Ter)

Gene: RUNX1 (RUNX family transcription factor 1; minus strand). Cytogenetic location: 21q22.12.
Variant type: single nucleotide variant.
Coding change: c.784C>T on transcript NM_001754.5 (MANE Select); coding-DNA position 784, C replaced by T.
Protein change: p.Gln262Ter; replaces glutamine 262 with a stop codon.
Molecular consequence: nonsense.
Genome position (GRCh38, 1-based): chr21:34,834,431, G>A on the plus strand (C>T on the coding strand, the complement: RUNX1 is on the minus strand). VCF-style: chr21-34834431-G-A. GRCh37 (hg19) VCF-style: chr21-36206728-G-A.
Other names: NM_001754.4(RUNX1):c.784C>T; p.Gln262Ter; c.703C>T, p.Gln235Ter (NM_001001890.3, NM_001122607.2); short protein forms Q262*, Q235*.
Identifiers: ClinVar variation 627384 (VCV000627384.3), dbSNP rs1601415426, ClinGen allele CA410206696.
Genomic context (GRCh38, chr21:34,834,431, plus strand): 5'-TGCAGGAGAGGCGGGCAGTGGGCTCCATCTGGTACTTACCCTGCATCTGACTCTGAGGCT[G>A]AGGGTTAAAGGCAGTGGAGTGGTTCAGGGAGGCACGAGGGTTGGGCGTGGGGGCTGGGTG-3'

ClinVar aggregate classification (germline): Pathogenic. Review status: reviewed by expert panel (3 of 4 stars). 2 submissions from 2 submitters: Pathogenic (1). 1 of the submissions does not count toward it. Last evaluated 2021-06-12.

Conditions:
Storage pool disease of platelets. Also called: STORAGE POOL PLATELET DISEASE; Platelet storage pool deficiency; Platelet storage pool diseases. Identifiers: Orphanet 734, MedGen C0032197, MONDO:0008495, OMIM 185050.
Hereditary thrombocytopenia and hematologic cancer predisposition syndrome. Identifiers: Orphanet 71290, MedGen CN281654, MONDO:0011071.

Submissions (2):

ClinGen Myeloid Malignancy Variant Curation Expert Panel
Classification: Pathogenic for Hereditary thrombocytopenia and hematologic cancer predisposition syndrome. Last evaluated: 2021-06-12. Review status: reviewed by expert panel. Criteria: ClinGen MyeloMalig ACMG Specifications v2. Collection method: curation. Allele origin: germline. Inheritance: Autosomal dominant inheritance.
Comment: The c.784C>T (p.Gln262Ter) variant is a nonsense variant that is predicted to introduce a premature stop codon and expected to result in nonsense-mediated mRNA decay (PVS1). This variant is completely absent from all population databases (gnomAD v2 and v3, ESP) with at least 20x coverage for RUNX1 (PM2_supporting). The variant has been reported in one proband meeting at least one of the RUNX1-phenotypic criteria (PMID: 22430633) (PS4_ Supporting). It is of note that this variant was also found to co-segregate with disease in multiple affected family members of the aforementioned proband, but not in a sufficient number of individuals (PMID: 22430633). Note that the variant has also been reported in other individuals without definitive germline origin: patients with an unspecified platelet function disorder (PMID: 31064749), AML (PMID: 23958918), an esophageal tumor (PMID: 23525077), and the somatic/likely somatic variant has been identified in MDS/AML (Arcila, 2015, Presentation at USCAP Annual Meeting; Milosevic Feenstra et al., 2015, ASH Abstract 1626; PMID: 24030381) and solid tumors (COSMIC ID: COSV55866493; PMID: 30543347). Other downstream null variants have been frequently described in association with hereditary thrombocytopenia and hematologic cancer predisposition syndrome (PM5_supporting). In summary, this variant meets criteria to be classified as pathogenic. ACMG/AMP criteria applied, as specified by the ClinGen Myeloid Malignancy Variant Curation Expert Panel for RUNX1: PVS1, PS4_supporting, PM2_supporting, and PM5_supporting.

NIHR Bioresource Rare Diseases, University of Cambridge
Classification: Likely pathogenic for Storage pool disease of platelets. Last evaluated: 2019-02-01. Review status: criteria provided, single submitter. Criteria: ACMG Guidelines, 2015. Collection method: research. Allele origin: unknown. Affected: yes. Observed: 1 heterozygote. Study: ThromboGenomics. Not counted in ClinVar's aggregate classification.

Literature cited by the submitters: PubMed 31064749 (cited by NIHR Bioresource Rare Diseases, University of Cambridge).